The following is an entry in ClinVar:

ClinVar aggregate classification (germline): Uncertain significance (1 of 4 stars; one submission).

Conditions:
Inborn genetic diseases. Identifiers: MedGen C0950123, MeSH D030342.

Submission:

Ambry Genetics
Classification: Uncertain significance for Inborn genetic diseases. Last evaluated: 2025-08-28. Review status: criteria provided, single submitter. Criteria: Ambry Variant Classification Scheme 2023. Collection method: clinical testing. Allele origin: germline.
Comment: The p.H32R variant (also known as c.95A>G), located in coding exon 1 of the SAMD9 gene, results from an A to G substitution at nucleotide position 95. The histidine at codon 32 is replaced by arginine, an amino acid with highly similar properties. This amino acid position is conserved. In addition, this alteration is predicted to be tolerated by in silico analysis. Based on the available evidence, the clinical significance of this variant remains unclear.

NM_017654.4(SAMD9):c.95A>G (p.His32Arg)

Gene: SAMD9 (sterile alpha motif domain containing 9; minus strand). Cytogenetic location: 7q21.2.
Variant type: single nucleotide variant.
Coding change: c.95A>G on transcript NM_017654.4 (MANE Select); coding-DNA position 95, A replaced by G.
Protein change: p.His32Arg; replaces histidine 32 with arginine.
Molecular consequence: missense variant.
Genome position (GRCh38, 1-based): chr7:93,106,003, T>C on the plus strand (A>G on the coding strand, the complement: SAMD9 is on the minus strand). VCF-style: chr7-93106003-T-C. GRCh37 (hg19) VCF-style: chr7-92735316-T-C.
Other names: c.95A>G, p.His32Arg (NM_001193307.2); short protein forms H32R.
Identifiers: ClinVar variation 4159192 (VCV004159192.1).